The following is an entry in ClinVar:

NM_001378454.1(ALMS1):c.11378C>G (p.Ala3793Gly)

Gene: ALMS1 (ALMS1 centrosome and basal body associated protein; plus strand). Cytogenetic location: 2p13.1.
Variant type: single nucleotide variant.
Coding change: c.11378C>G on transcript NM_001378454.1 (MANE Select); coding-DNA position 11378, C replaced by G.
Protein change: p.Ala3793Gly; replaces alanine 3793 with glycine.
Molecular consequence: missense variant.
Genome position (GRCh38, 1-based): chr2:73,573,255, C>G. VCF-style: chr2-73573255-C-G. GRCh37 (hg19) VCF-style: chr2-73800382-C-G.
Other names: c.11381C>G, p.Ala3794Gly (NM_015120.4); short protein forms A3793G, A3794G.
Identifiers: ClinVar variation 2197898 (VCV002197898.1), dbSNP rs968772816, ClinGen allele CA1715177.
Genomic context (GRCh38, chr2:73,573,255, plus strand): 5'-TGGCTCTGCACGAAAGGAGTAGCTCTGTTTCCACTATTGACACTGCCCGGCTGATTCAAG[C>G]TTTTGGCCATGAAAGAGTATGCTTGTCACCCAGACGAATTAAATTATATAGCAGCATCAC-3'
Protein context (NP_001365383.1, residues 3783-3803): STIDTARLIQ[Ala3793Gly]FGHERVCLSP

ClinVar aggregate classification (germline): Uncertain significance (1 of 4 stars; one submission).

Conditions:
Alstrom syndrome (ALMS). Identifiers: Orphanet 64, MedGen C0268425, MONDO:0008763, OMIM 203800.

Allele frequency attached by ClinVar (database versions not stated): gnomAD exomes 0.00001; ExAC 0.00003.
gnomAD v4.1: 15 of 1,613,846 alleles (0.00093%); highest among the groups gnomAD compares: South Asian, 0.016%; no homozygotes.

Submission:

Labcorp Genetics (formerly Invitae), Labcorp
Classification: Uncertain significance for Alstrom syndrome. Last evaluated: 2021-12-21. Review status: criteria provided, single submitter. Criteria: Invitae Variant Classification Sherloc (09022015). Collection method: clinical testing. Allele origin: germline.
Comment: This sequence change replaces alanine, which is neutral and non-polar, with glycine, which is neutral and non-polar, at codon 3794 of the ALMS1 protein (p.Ala3794Gly). This variant is present in population databases (no rsID available, gnomAD 0.02%). This variant has not been reported in the literature in individuals affected with ALMS1-related conditions. Experimental studies and prediction algorithms are not available or were not evaluated, and the functional significance of this variant is currently unknown. In summary, the available evidence is currently insufficient to determine the role of this variant in disease. Therefore, it has been classified as a Variant of Uncertain Significance.